The following is an entry in ClinVar:

NM_000059.4(BRCA2):c.4316C>A (p.Ala1439Asp)

Gene: BRCA2 (BRCA2 DNA repair associated; plus strand). Cytogenetic location: 13q13.1.
Variant type: single nucleotide variant.
Coding change: c.4316C>A on transcript NM_000059.4 (MANE Select); coding-DNA position 4316, C replaced by A.
Protein change: p.Ala1439Asp; replaces alanine 1439 with aspartic acid.
Molecular consequence: missense variant.
Genome position (GRCh38, 1-based): chr13:32,338,671, C>A. VCF-style: chr13-32338671-C-A. GRCh37 (hg19) VCF-style: chr13-32912808-C-A.
Other names: p.A1439D:GCC>GAC; 4544C>A; short protein forms A1439D.
Identifiers: ClinVar variation 37893 (VCV000037893.33), dbSNP rs80358667, ClinGen allele CA019966.

ClinVar aggregate classification (germline): Conflicting classifications of pathogenicity. Review status: criteria provided, conflicting classifications (1 of 4 stars). 13 submissions from 13 submitters: Uncertain significance (5); Likely benign (6). 2 of the submissions do not count toward it. Last evaluated 2025-12-24.

Conditions:
Hereditary cancer-predisposing syndrome. Also called: Tumor predisposition; Neoplastic Syndromes, Hereditary; Hereditary neoplastic syndrome; Hereditary Cancer Syndrome. Identifiers: Orphanet 140162, MedGen C0027672, MeSH D009386, MONDO:0015356.
Hereditary breast ovarian cancer syndrome. Also called: Hereditary breast and ovarian cancer; Hereditary breast and ovarian cancer syndrome (HBOC); Hereditary breast and/or ovarian cancer syndrome; Breast and ovarian cancer; Hereditary breast and ovarian cancer syndrome; BRCA1- and BRCA2-Associated Hereditary Breast and Ovarian Cancer. Identifiers: Orphanet 145, MedGen C0677776, MeSH D061325, MONDO:0003582. Disease mechanism: loss of function.
Breast-ovarian cancer, familial, susceptibility to, 2 (BROVCA2). Also called: BRCA2 Hereditary Breast and Ovarian Cancer. Identifiers: Orphanet 145, MedGen C2675520, MONDO:0012933, OMIM 612555. Disease mechanism: loss of function.

Allele frequency attached by ClinVar (database versions not stated): gnomAD 0.00001; gnomAD exomes 0.00001 and 0.00002; ExAC 0.00002; TOPMed 0.00003; 1000 Genomes Project 0.00020; 1000 Genomes Project 30x 0.00031.
gnomAD v4.1: 8 of 1,595,538 alleles (0.0005%); highest among the groups gnomAD compares: Admixed American, 0.014%; no homozygotes.

Submissions (13):

Labcorp Genetics (formerly Invitae), Labcorp
Classification: Likely benign for Hereditary breast ovarian cancer syndrome. Last evaluated: 2025-12-24. Review status: criteria provided, single submitter. Criteria: Invitae Variant Classification Sherloc (09022015). Collection method: clinical testing. Allele origin: germline.

Quest Diagnostics Nichols Institute San Juan Capistrano
Classification: Uncertain significance. Last evaluated: 2025-06-04. Review status: criteria provided, single submitter. Criteria: Quest Diagnostics criteria. Collection method: clinical testing. Allele origin: unknown.
Comment: This test has identified one copy of the c.4316C>A (p.Ala1439Asp) variant in the BRCA2 gene. In the published literature, this variant has been reported in individuals with a personal or family history of breast and/or ovarian cancer (PMIDs: 31911673 (2020), 30630528 (2019), 25136594 (2014)). The frequency of this variant in the general population (Genome Aggregation Database) is uninformative in the assessment of its pathogenicity. Analysis of this variant using bioinformatics tools (i.e., MutationTaster and PolyPhen-2) for the prediction of the effect of amino acid changes on protein structure and function yielded predictions that this variant is benign. Based on the available information, we are unable to determine the clinical significance of this variant.

Molecular Diagnostics Laboratory, Catalan Institute of Oncology
Classification: Likely benign for Hereditary cancer-predisposing syndrome. Last evaluated: 2025-05-22. Review status: criteria provided, single submitter. Criteria: ClinGen BRCA1BRCA2 ACMG Specifications BRCA2 V1.0.0. Collection method: clinical testing. Allele origin: germline.
Comment: BP1_Strong c.4316C>A, located in exon 11 of the BRCA2 gene, is predicted to result in the substitution of proline by leucine at codon 1439, p.(Ala1439Asp).This position is outside a (potentially) clinically important functional domain and the SpliceAI algorithm predicts no significant impact on splicing (BP1_Strong). The SpliceAI algorithm predicts no significant impact on splicing. This variant is found in 5/32702, at a filtering allele frequency of 0.004% in the gnomAD v2.1.1 database, in the Latino population (exome non-cancer data set). To our knowledge, functional studies have not been performed for this variant. This variant has been reported in the ClinVar database (7x uncertain significance, 4 likely benign, 1x benign), in BRCA Exchange database as �not yet reviewed� but it is not present in the LOVD database. Based on currently available information, c.4316C>A is classified as a likely benign variant according to ClinGen- BRCA1 and BRCA2 Guidelines version 1.0.0.

Ambry Genetics
Classification: Uncertain significance for Hereditary cancer-predisposing syndrome. Last evaluated: 2025-03-04. Review status: criteria provided, single submitter. Criteria: Ambry Variant Classification Scheme 2023. Collection method: clinical testing. Allele origin: germline.
Comment: The p.A1439D variant (also known as c.4316C>A), located in coding exon 10 of the BRCA2 gene, results from a C to A substitution at nucleotide position 4316. The alanine at codon 1439 is replaced by aspartic acid, an amino acid with dissimilar properties. This alteration has been detected in several cohorts of patients with a family history of breast and ovarian cancer (Vogel KJ et al. J. Clin. Oncol. 2007 Oct;25(29):4635-14; Lu W et al. Fam. Cancer. 2012 Sep;11(3):381-5; Ruiz A et al. Biomed. Res. Int. 2014 Jun;2014:542541; Gabald&oacute; Barrios X et al. Fam. Cancer 2017 Oct;16(4):477-489). This amino acid position is poorly conserved in available vertebrate species. In addition, this alteration is predicted to be tolerated by in silico analysis. Based on the available evidence, the clinical significance of this variant remains unclear.

All of Us Research Program, National Institutes of Health
Classification: Likely benign for Breast-ovarian cancer, familial, susceptibility to, 2. Last evaluated: 2024-02-05. Review status: criteria provided, single submitter. Criteria: ACMG Guidelines, 2015. Collection method: clinical testing. Allele origin: germline. Inheritance: Autosomal dominant inheritance. Observed: 4 variant alleles, 4 heterozygotes.
Comment: This study involves interpretation of variants in research participants for the purpose of population health screening. Participant phenotype was not available at the time of variant classification. Additional details can be found in publication PMID: 35346344, PMCID: PMC8962531

Women's Health and Genetics/Laboratory Corporation of America, LabCorp
Classification: Uncertain significance. Last evaluated: 2024-01-22. Review status: criteria provided, single submitter. Criteria: LabCorp Variant Classification Summary - May 2015. Collection method: clinical testing. Allele origin: germline.
Comment: Variant summary: BRCA2 c.4316C>A (p.Ala1439Asp) results in a non-conservative amino acid change located in the BRCA2 repeat domain of the encoded protein sequence. Three of five in-silico tools predict a benign effect of the variant on protein function. The variant allele was found at a frequency of 2.1e-05 in 242828 control chromosomes, predominantly at a frequency of 0.00015 within the Latino subpopulation in the gnomAD database. The available data on variant occurrences in the general population are insufficient to allow any conclusion about variant significance. c.4316C>A has been reported in the literature in individuals affected with Hereditary Breast And Ovarian Cancer Syndrome (example: Gabaldo Barrios_2017, Lu_2012, Ruiz_2014, Vogel_2007). These report(s) do not provide unequivocal conclusions about association of the variant with Hereditary Breast And Ovarian Cancer Syndrome. Co-occurrences with other pathogenic variants have been reported (BRCA1 c.4327C>T, p.R1443X), providing supporting evidence for a benign role. To our knowledge, no experimental evidence demonstrating an impact on protein function has been reported. The following publications have been ascertained in the context of this evaluation (PMID: 28477318, 22476429, 25136594, 17925560). ClinVar contains an entry for this variant (Variation ID: 37893). Based on the evidence outlined above, the variant was classified as uncertain significance.

GeneDx
Classification: Likely benign. Last evaluated: 2023-07-11. Review status: criteria provided, single submitter. Criteria: GeneDx Variant Classification Process June 2021. Collection method: clinical testing. Allele origin: germline. Affected: yes.
Comment: See Variant Classification Assertion Criteria.

University of Washington Department of Laboratory Medicine, University of Washington
Classification: Likely benign for Hereditary cancer-predisposing syndrome. Last evaluated: 2023-03-23. Review status: criteria provided, single submitter. Criteria: Dines et al. (Genet Med. 2020). Collection method: curation. Allele origin: germline.
Comment: Missense variant in a coldspot region where missense variants are very unlikely to be pathogenic (PMID:31911673).

BRCA2 exon 11 coldspot. Reclassification based on statistical prior probability.

Baylor Genetics
Classification: Uncertain significance for Breast-ovarian cancer, familial, susceptibility to, 2. Last evaluated: 2020-08-30. Review status: criteria provided, single submitter. Criteria: ACMG Guidelines, 2015. Collection method: clinical testing. Allele origin: unknown. Affected: yes. Study: CSER-TexasKidsCanSeq.
Comment: This variant was determined to be of uncertain significance according to ACMG Guidelines, 2015 [PMID:25741868].

Division of Medical Genetics, University of Washington
Classification: Uncertain significance for Breast-ovarian cancer, familial, susceptibility to, 2. Last evaluated: 2020-01-22. Review status: criteria provided, single submitter. Criteria: ACMG Guidelines, 2015. Collection method: clinical testing. Allele origin: germline. Affected: no. Study: CSER_CHARM.
Comment: This variant has been reported in the literature in individuals with a personal and/or family history of breast and ovarian cancer (Vogel 2007, Ruiz 2014, Gabaldo Barrios 2017). This variant has an overall allele frequency of 0.000017 in the Broad Institute gnomAD Browser. In silico analyses indicate this is an evolutionarily conserved residue. Thus, it is unknown at this time whether this variant increases cancer risk. PP3

Color Diagnostics, LLC DBA Color Health
Classification: Likely benign for Hereditary cancer-predisposing syndrome. Last evaluated: 2016-03-08. Review status: criteria provided, single submitter. Criteria: ACMG Guidelines, 2015. Collection method: clinical testing. Allele origin: germline.

Sharing Clinical Reports Project (SCRP)
Classification: Uncertain significance for Breast-ovarian cancer, familial 2. Last evaluated: 2011-10-18. Review status: no assertion criteria provided. Collection method: clinical testing. Allele origin: germline. Not counted in ClinVar's aggregate classification.

Breast Cancer Information Core (BIC) (BRCA2)
Classification: Uncertain significance for Breast-ovarian cancer, familial 2. Last evaluated: 2001-10-29. Review status: no assertion criteria provided. Collection method: clinical testing. Allele origin: germline. Affected: yes. Observed: 1 variant allele. Not counted in ClinVar's aggregate classification.

Literature cited by the submitters: PubMed 22476429 (cited by 3 submitters); PubMed 31911673 (cited by Quest Diagnostics Nichols Institute San Juan Capistrano); PubMed 28569743 (cited by Quest Diagnostics Nichols Institute San Juan Capistrano); PubMed 29884841 (cited by Quest Diagnostics Nichols Institute San Juan Capistrano); PubMed 25351503 (cited by Quest Diagnostics Nichols Institute San Juan Capistrano); PubMed 31853058 (cited by Quest Diagnostics Nichols Institute San Juan Capistrano); PubMed 27153395 (cited by Quest Diagnostics Nichols Institute San Juan Capistrano); PubMed 30630528 (cited by Quest Diagnostics Nichols Institute San Juan Capistrano); PubMed 28477318 (cited by 3 submitters); PubMed 17925560 (cited by 3 submitters); PubMed 25136594 (cited by 3 submitters).